The following is an entry in ClinVar:

ClinVar aggregate classification (germline): Uncertain significance (1 of 4 stars; one submission).

Allele frequency attached by ClinVar (database versions not stated): gnomAD exomes below 0.00001; ExAC 0.00001.
gnomAD v4.1: 2 of 1,614,240 alleles (0.00012%); highest among the groups gnomAD compares: Admixed American, 0.0033%; no homozygotes.

Submission:

Labcorp Genetics (formerly Invitae), Labcorp
Classification: Uncertain significance. Last evaluated: 2024-06-24. Review status: criteria provided, single submitter. Criteria: Invitae Variant Classification Sherloc (09022015). Collection method: clinical testing. Allele origin: germline.
Comment: This sequence change replaces isoleucine, which is neutral and non-polar, with threonine, which is neutral and polar, at codon 437 of the FBLN5 protein (p.Ile437Thr). This variant is present in population databases (rs777895766, gnomAD 0.003%). This variant has not been reported in the literature in individuals affected with FBLN5-related conditions. ClinVar contains an entry for this variant (Variation ID: 2084196). Advanced modeling of protein sequence and biophysical properties (such as structural, functional, and spatial information, amino acid conservation, physicochemical variation, residue mobility, and thermodynamic stability) performed at Invitae indicates that this missense variant is not expected to disrupt FBLN5 protein function with a negative predictive value of 80%. In summary, the available evidence is currently insufficient to determine the role of this variant in disease. Therefore, it has been classified as a Variant of Uncertain Significance.

NM_006329.4(FBLN5):c.1310T>C (p.Ile437Thr)

Gene: FBLN5 (fibulin 5; minus strand). Cytogenetic location: 14q32.12.
Variant type: single nucleotide variant.
Coding change: c.1310T>C on transcript NM_006329.4 (MANE Select); coding-DNA position 1310, T replaced by C.
Protein change: p.Ile437Thr; replaces isoleucine 437 with threonine.
Molecular consequence: missense variant. On other transcripts: 3 prime UTR variant (2).
Genome position (GRCh38, 1-based): chr14:91,870,261, A>G on the plus strand (T>C on the coding strand, the complement: FBLN5 is on the minus strand). VCF-style: chr14-91870261-A-G. GRCh37 (hg19) VCF-style: chr14-92336605-A-G.
Other names: c.1433T>C, p.Ile478Thr (NM_001384158.1); c.1361T>C, p.Ile454Thr (NM_001384159.1); c.*94T>C (NM_001384160.1, NM_001384161.1); c.1142T>C, p.Ile381Thr (NM_001384162.1); short protein forms I381T, I454T, I478T, I437T.
Identifiers: ClinVar variation 2084196 (VCV002084196.4), dbSNP rs777895766, ClinGen allele CA7312568.